The following is an entry in ClinVar:

ClinVar aggregate classification (germline): Uncertain significance (1 of 4 stars; one submission).

Allele frequency attached by ClinVar (database versions not stated): gnomAD exomes 0.00001.
gnomAD v4.1: 7 of 1,604,924 alleles (0.00044%); highest among the groups gnomAD compares: South Asian, 0.0011%; no homozygotes.

Submission:

Labcorp Genetics (formerly Invitae), Labcorp
Classification: Uncertain significance. Last evaluated: 2022-06-10. Review status: criteria provided, single submitter. Criteria: Invitae Variant Classification Sherloc (09022015). Collection method: clinical testing. Allele origin: germline.
Comment: This sequence change replaces proline, which is neutral and non-polar, with leucine, which is neutral and non-polar, at codon 609 of the CEP152 protein (p.Pro609Leu). This variant is not present in population databases (gnomAD no frequency). This variant has not been reported in the literature in individuals affected with CEP152-related conditions. Algorithms developed to predict the effect of missense changes on protein structure and function output the following: SIFT: "Tolerated"; PolyPhen-2: "Benign"; Align-GVGD: "Class C0". The leucine amino acid residue is found in multiple mammalian species, which suggests that this missense change does not adversely affect protein function. In summary, the available evidence is currently insufficient to determine the role of this variant in disease. Therefore, it has been classified as a Variant of Uncertain Significance.

NM_001194998.2(CEP152):c.1826C>T (p.Pro609Leu)

Gene: CEP152 (centrosomal protein 152; minus strand). Cytogenetic location: 15q21.1.
Variant type: single nucleotide variant.
Coding change: c.1826C>T on transcript NM_001194998.2 (MANE Select); coding-DNA position 1826, C replaced by T.
Protein change: p.Pro609Leu; replaces proline 609 with leucine.
Molecular consequence: missense variant.
Genome position (GRCh38, 1-based): chr15:48,769,038, G>A on the plus strand (C>T on the coding strand, the complement: CEP152 is on the minus strand). VCF-style: chr15-48769038-G-A. GRCh37 (hg19) VCF-style: chr15-49061235-G-A.
Other names: c.1826C>T, p.Pro609Leu (NM_014985.4); short protein forms P609L.
Identifiers: ClinVar variation 1985349 (VCV001985349.1), dbSNP rs2504720952, ClinGen allele CA392350851.